The following is an entry in ClinVar:

NM_015192.4(PLCB1):c.1010-3T>A

Gene: PLCB1 (phospholipase C beta 1; plus strand). Cytogenetic location: 20p12.3.
Variant type: single nucleotide variant.
Coding change: c.1010-3T>A on transcript NM_015192.4 (MANE Select); 3 bases into the intron before coding-DNA position 1010, T replaced by A.
Molecular consequence: intron variant.
Genome position (GRCh38, 1-based): chr20:8,697,623, T>A. VCF-style: chr20-8697623-T-A. GRCh37 (hg19) VCF-style: chr20-8678270-T-A.
Other names: c.1010-3T>A (NM_182734.3).
Identifiers: ClinVar variation 1387293 (VCV001387293.6), dbSNP rs2123427893, ClinGen allele CA2573156912.
Genomic context (GRCh38, chr20:8,697,623, plus strand): 5'-GAAAGCACCACGGTCATCCTTGCTTCATGGGAATCTGGGGTTTGTTTTGTTGGTGTTTTA[T>A]AGCTGGCCAACTGGCTGGAAACTCCTCTGTTGAGATGTATCGCCAAGTGCTCCTGTCTGG-3'

ClinVar aggregate classification (germline): Uncertain significance (1 of 4 stars; one submission).

Conditions:
Developmental and epileptic encephalopathy, 12 (DEE12). Identifiers: MedGen C3150988, MONDO:0013389, OMIM 613722.

Submission:

Labcorp Genetics (formerly Invitae), Labcorp
Classification: Uncertain significance for Developmental and epileptic encephalopathy, 12. Last evaluated: 2022-04-08. Review status: criteria provided, single submitter. Criteria: Invitae Variant Classification Sherloc (09022015). Collection method: clinical testing. Allele origin: germline.
Comment: In summary, the available evidence is currently insufficient to determine the role of this variant in disease. Therefore, it has been classified as a Variant of Uncertain Significance. Variants that disrupt the consensus splice site are a relatively common cause of aberrant splicing (PMID: 17576681, 9536098). Algorithms developed to predict the effect of sequence changes on RNA splicing suggest that this variant is not likely to affect RNA splicing. This variant has not been reported in the literature in individuals affected with PLCB1-related conditions. This variant is not present in population databases (gnomAD no frequency). This sequence change falls in intron 10 of the PLCB1 gene. It does not directly change the encoded amino acid sequence of the PLCB1 protein. It affects a nucleotide within the consensus splice site.

Literature cited by the submitters: PubMed 17576681; PubMed 9536098.